The following is an entry in ClinVar:

NM_001903.5(CTNNA1):c.347G>A (p.Cys116Tyr)

Gene: CTNNA1 (catenin alpha 1; plus strand). Cytogenetic location: 5q31.2.
Variant type: single nucleotide variant.
Coding change: c.347G>A on transcript NM_001903.5 (MANE Select); coding-DNA position 347, G replaced by A.
Protein change: p.Cys116Tyr; replaces cysteine 116 with tyrosine.
Molecular consequence: missense variant. On other transcripts: intron variant (1).
Genome position (GRCh38, 1-based): chr5:138,810,083, G>A. VCF-style: chr5-138810083-G-A. GRCh37 (hg19) VCF-style: chr5-138145772-G-A.
Other names: c.347G>A, p.Cys116Tyr (NM_001290307.3, NM_001323982.2, NM_001323983.1 and 3 more transcripts); c.38G>A, p.Cys13Tyr (NM_001290309.3); c.-5-18G>A (NM_001290310.3); short protein forms C13Y, C116Y.
Identifiers: ClinVar variation 642375 (VCV000642375.18), dbSNP rs761084210, ClinGen allele CA3431427.

ClinVar aggregate classification (germline): Uncertain significance. Review status: criteria provided, multiple submitters, no conflicts (2 of 4 stars). 6 submissions from 6 submitters: Uncertain significance (6). Last evaluated 2026-01-17.

Conditions:
Hereditary cancer-predisposing syndrome. Also called: Neoplastic Syndromes, Hereditary; Tumor predisposition; Hereditary neoplastic syndrome; Hereditary Cancer Syndrome. Identifiers: Orphanet 140162, MedGen C0027672, MeSH D009386, MONDO:0015356.
Patterned macular dystrophy 2. Identifiers: Orphanet 99001, MedGen C1837029, MONDO:0012162, OMIM 608970.

Allele frequency attached by ClinVar (database versions not stated): ExAC 0.00001; gnomAD 0.00001 and 0.00002; gnomAD exomes 0.00001 and 0.00002; TOPMed 0.00001.
gnomAD v4.1: 35 of 1,614,002 alleles (0.0022%); highest among the groups gnomAD compares: Non-Finnish European, 0.0026%; no homozygotes.

Submissions (6):

Labcorp Genetics (formerly Invitae), Labcorp
Classification: Uncertain significance. Last evaluated: 2026-01-17. Review status: criteria provided, single submitter. Criteria: Invitae Variant Classification Sherloc (09022015). Collection method: clinical testing. Allele origin: germline.
Comment: This sequence change replaces cysteine, which is neutral and slightly polar, with tyrosine, which is neutral and polar, at codon 116 of the CTNNA1 protein (p.Cys116Tyr). This variant is present in population databases (rs761084210, gnomAD 0.003%). This missense change has been observed in individual(s) with familial strabismus (PMID: 33435129). ClinVar contains an entry for this variant (Variation ID: 642375). Invitae Evidence Modeling of protein sequence and biophysical properties (such as structural, functional, and spatial information, amino acid conservation, physicochemical variation, residue mobility, and thermodynamic stability) has been performed for this missense variant. However, the output from this modeling did not meet the statistical confidence thresholds required to predict the impact of this variant on CTNNA1 protein function. In summary, the available evidence is currently insufficient to determine the role of this variant in disease. Therefore, it has been classified as a Variant of Uncertain Significance.

Center for Genomic Medicine, Rigshospitalet, Copenhagen University Hospital
Classification: Uncertain significance. Last evaluated: 2025-12-29. Review status: criteria provided, single submitter. Criteria: ACMG Guidelines, 2015. Collection method: clinical testing. Allele origin: germline.

Ambry Genetics
Classification: Uncertain significance for Hereditary cancer-predisposing syndrome. Last evaluated: 2024-02-12. Review status: criteria provided, single submitter. Criteria: Ambry Variant Classification Scheme 2023. Collection method: clinical testing. Allele origin: germline.
Comment: The p.C116Y variant (also known as c.347G>A), located in coding exon 3 of the CTNNA1 gene, results from a G to A substitution at nucleotide position 347. The cysteine at codon 116 is replaced by tyrosine, an amino acid with highly dissimilar properties. This amino acid position is highly conserved in available vertebrate species. In addition, this alteration is predicted to be deleterious by in silico analysis. The evidence for this gene-disease relationship is limited; therefore, the clinical significance of this alteration is unclear.

Baylor Genetics
Classification: Uncertain significance for Patterned macular dystrophy 2. Last evaluated: 2023-07-04. Review status: criteria provided, single submitter. Criteria: ACMG Guidelines, 2015. Collection method: clinical testing. Allele origin: unknown.

GeneDx
Classification: Uncertain significance. Last evaluated: 2023-01-13. Review status: criteria provided, single submitter. Criteria: GeneDx Variant Classification Process June 2021. Collection method: clinical testing. Allele origin: germline. Affected: yes.
Comment: In silico analysis supports that this missense variant has a deleterious effect on protein structure/function; Observed in an individual undergoing hereditary cancer genetic testing and in a family with strabismus (Clark et al., 2020; An et al., 2021); This variant is associated with the following publications: (PMID: 32051609, 33435129)

Fulgent Genetics
Classification: Uncertain significance for Patterned macular dystrophy 2. Last evaluated: 2021-11-10. Review status: criteria provided, single submitter. Criteria: ACMG Guidelines, 2015. Collection method: clinical testing. Allele origin: unknown.

Literature cited by the submitters: PubMed 33435129 (cited by Labcorp Genetics (formerly Invitae), Labcorp).